The following is an entry in ClinVar:

NM_013372.7(GREM1):c.347G>C (p.Arg116Pro)

Gene: GREM1 (gremlin 1, DAN family BMP antagonist; plus strand). Cytogenetic location: 15q13.3.
Variant type: single nucleotide variant.
Coding change: c.347G>C on transcript NM_013372.7 (MANE Select); coding-DNA position 347, G replaced by C.
Protein change: p.Arg116Pro; replaces arginine 116 with proline.
Molecular consequence: missense variant.
Genome position (GRCh38, 1-based): chr15:32,731,037, G>C. VCF-style: chr15-32731037-G-C. GRCh37 (hg19) VCF-style: chr15-33023238-G-C.
Other names: c.137G>C, p.Arg46Pro (NM_001191322.2); c.224G>C, p.Arg75Pro (NM_001191323.2); c.347G>C, p.Arg116Pro (NM_001368719.1); short protein forms R75P, R116P, R46P.
Identifiers: ClinVar variation 3282668 (VCV003282668.1).

ClinVar aggregate classification (germline): Uncertain significance (1 of 4 stars; one submission).

Conditions:
Hereditary cancer-predisposing syndrome. Also called: Tumor predisposition; Hereditary Cancer Syndrome; Hereditary neoplastic syndrome; Neoplastic Syndromes, Hereditary. Identifiers: Orphanet 140162, MedGen C0027672, MeSH D009386, MONDO:0015356.

Submission:

Ambry Genetics
Classification: Uncertain significance for Hereditary cancer-predisposing syndrome. Last evaluated: 2024-06-20. Review status: criteria provided, single submitter. Criteria: Ambry Variant Classification Scheme 2023. Collection method: clinical testing. Allele origin: germline.
Comment: The p.R116P variant (also known as c.347G>C), located in coding exon 1 of the GREM1 gene, results from a G to C substitution at nucleotide position 347. The arginine at codon 116 is replaced by proline, an amino acid with dissimilar properties. This amino acid position is conserved. In addition, this alteration is predicted to be deleterious by in silico analysis. Based on the available evidence, the clinical significance of this variant remains unclear.